The following is an entry in ClinVar:

ClinVar aggregate classification (germline): Conflicting classifications of pathogenicity. Review status: criteria provided, conflicting classifications (1 of 4 stars). 3 submissions from 3 submitters: Uncertain significance (2); Likely benign (1). Last evaluated 2026-03-03.

Conditions:
POLE-related polyposis and colorectal cancer syndrome. Identifiers: MedGen CN324030, MONDO:0100287.
Hereditary cancer-predisposing syndrome. Also called: Tumor predisposition; Hereditary neoplastic syndrome; Neoplastic Syndromes, Hereditary; Hereditary Cancer Syndrome. Identifiers: Orphanet 140162, MedGen C0027672, MeSH D009386, MONDO:0015356.

Allele frequency attached by ClinVar (database versions not stated): ExAC 0.00001; gnomAD exomes 0.00001.
gnomAD v4.1: 7 of 1,611,806 alleles (0.00043%); highest among the groups gnomAD compares: Admixed American, 0.0033%; no homozygotes.

Submissions (3):

Ambry Genetics
Classification: Likely benign for Hereditary cancer-predisposing syndrome. Last evaluated: 2026-03-03. Review status: criteria provided, single submitter. Criteria: Ambry Variant Classification Scheme 2023. Collection method: clinical testing. Allele origin: germline.

Labcorp Genetics (formerly Invitae), Labcorp
Classification: Uncertain significance. Last evaluated: 2025-10-28. Review status: criteria provided, single submitter. Criteria: Invitae Variant Classification Sherloc (09022015). Collection method: clinical testing. Allele origin: germline.
Comment: This sequence change replaces threonine, which is neutral and polar, with alanine, which is neutral and non-polar, at codon 69 of the POLE protein (p.Thr69Ala). This variant is present in population databases (rs773435807, gnomAD 0.006%). This variant has not been reported in the literature in individuals affected with POLE-related conditions. ClinVar contains an entry for this variant (Variation ID: 959371). An algorithm developed to predict the effect of missense changes on protein structure and function (PolyPhen-2) suggests that this variant is likely to be tolerated. In summary, the available evidence is currently insufficient to determine the role of this variant in disease. Therefore, it has been classified as a Variant of Uncertain Significance.

Dasa
Classification: Uncertain significance for POLE-related polyposis and colorectal cancer syndrome. Last evaluated: 2025-07-03. Review status: criteria provided, single submitter. Criteria: DASA Assertion Criteria. Collection method: clinical testing. Allele origin: germline.
Comment: NM_006231.4(POLE):c.205A>G (p.Thr69Ala) is a missense variant that results in the substitution of threonine with alanine. This variant is rare in population databases. Computational prediction algorithms are consistent with a benign effect. The currently available literature and clinical evidence are not sufficient to establish a definitive association between this variant and the reported condition. Therefore, this variant is classified as a variant of uncertain significance.

NM_006231.4(POLE):c.205A>G (p.Thr69Ala)

Gene: POLE (DNA polymerase epsilon, catalytic subunit; minus strand). Cytogenetic location: 12q24.33.
Variant type: single nucleotide variant.
Coding change: c.205A>G on transcript NM_006231.4 (MANE Select); coding-DNA position 205, A replaced by G.
Protein change: p.Thr69Ala; replaces threonine 69 with alanine.
Molecular consequence: missense variant.
Genome position (GRCh38, 1-based): chr12:132,680,687, T>C on the plus strand (A>G on the coding strand, the complement: POLE is on the minus strand). VCF-style: chr12-132680687-T-C. GRCh37 (hg19) VCF-style: chr12-133257273-T-C.
Other names: c.205A>G (NM_006231.2); short protein forms T69A.
Identifiers: ClinVar variation 959371 (VCV000959371.13), dbSNP rs773435807, ClinGen allele CA6894407.